The following is an entry in ClinVar:

NM_001848.3(COL6A1):c.981C>T (p.Ile327=)

Gene: COL6A1 (collagen type VI alpha 1 chain; plus strand). Cytogenetic location: 21q22.3.
Variant type: single nucleotide variant.
Coding change: c.981C>T on transcript NM_001848.3 (MANE Select); coding-DNA position 981, C replaced by T.
Protein change: p.Ile327=; no amino-acid change (isoleucine 327 retained).
Molecular consequence: synonymous variant.
Genome position (GRCh38, 1-based): chr21:45,990,401, C>T. VCF-style: chr21-45990401-C-T. GRCh37 (hg19) VCF-style: chr21-47410315-C-T.
Identifiers: ClinVar variation 194200 (VCV000194200.42), dbSNP rs138401567, ClinGen allele CA240061.
Genomic context (GRCh38, chr21:45,990,401, plus strand): 5'-TGCATCTGACTCCTGCCTTCGTTTTCCCGCCTCACAGGGAGAGAAGGGCAAGCGTGGCAT[C>T]GACGGGGTGGACGGCGTGAAGGTGACTGGGGGGAGATAGGATGGACGGGGAGGGACGAGG-3'
Protein context (NP_001839.2, residues 317-337): GYKGEKGKRG[Ile327=]DGVDGVKGEM

ClinVar aggregate classification (germline): Benign/Likely benign. Review status: criteria provided, multiple submitters, no conflicts (2 of 4 stars). 6 submissions from 6 submitters: Benign (1); Likely benign (5). Last evaluated 2026-08-01.

Conditions:
Collagen 6-related myopathy. Identifiers: MedGen CN117976, MONDO:0100225.
Bethlem myopathy 1A. Also called: Bethlem Muscular Dystrophy; MYOPATHY, BENIGN CONGENITAL, WITH CONTRACTURES; Bethlem myopathy 1. Identifiers: Orphanet 610, MedGen CN029274, MONDO:0024530, OMIM 158810.

Allele frequency attached by ClinVar (database versions not stated): 1000 Genomes Project 0.00020; TOPMed 0.00062; gnomAD 0.00067 and 0.00068; ExAC 0.00068; ESP Exome Variant Server 0.00069; gnomAD exomes 0.00073.
gnomAD v4.1: 1,633 of 1,371,302 alleles (0.12%); highest among the groups gnomAD compares: Non-Finnish European, 0.14%; 1 homozygote.

Submissions (6):

CeGaT Center for Human Genetics Tuebingen
Classification: Likely benign. Last evaluated: 2026-08-01. Review status: criteria provided, single submitter. Criteria: CeGaT Center For Human Genetics Tuebingen Variant Classification Criteria Version 2. Collection method: clinical testing. Allele origin: germline. Affected: yes. Observed: 3 variant alleles.
Comment: COL6A1: BP4, BP7

Labcorp Genetics (formerly Invitae), Labcorp
Classification: Likely benign for Bethlem myopathy 1A. Last evaluated: 2026-02-03. Review status: criteria provided, single submitter. Criteria: Invitae Variant Classification Sherloc (09022015). Collection method: clinical testing. Allele origin: germline.

Blueprint Genetics
Classification: Likely benign. Last evaluated: 2024-11-18. Review status: criteria provided, single submitter. Criteria: ACMG Guidelines, 2015. Collection method: clinical testing. Allele origin: germline.

GeneDx
Classification: Likely benign. Last evaluated: 2021-01-12. Review status: criteria provided, single submitter. Criteria: GeneDx Variant Classification Process June 2021. Collection method: clinical testing. Allele origin: germline. Affected: yes.

Illumina Laboratory Services, Illumina
Classification: Benign for Collagen VI-related myopathy. Last evaluated: 2018-01-13. Review status: criteria provided, single submitter. Criteria: ICSL Variant Classification Criteria 13 December 2019. Collection method: clinical testing. Allele origin: germline.
Comment: This variant was observed in the ICSL laboratory as part of a predisposition screen in an ostensibly healthy population. It had not been previously curated by ICSL or reported in the Human Gene Mutation Database (HGMD: prior to June 1st, 2018), and was therefore a candidate for classification through an automated scoring system. Utilizing variant allele frequency, disease prevalence and penetrance estimates, and inheritance mode, an automated score was calculated to assess if this variant is too frequent to cause the disease. Based on the score and internal cut-off values, a variant classified as benign is not then subjected to further curation. The score for this variant resulted in a classification of benign for this disease.

PreventionGenetics, part of Exact Sciences
Classification: Likely benign. Review status: criteria provided, single submitter. Criteria: ACMG Guidelines, 2015. Collection method: clinical testing. Allele origin: germline.